The following is an entry in ClinVar:

NM_000152.5(GAA):c.-32-721G>C

Gene: GAA (alpha glucosidase; plus strand). Cytogenetic location: 17q25.3.
Variant type: single nucleotide variant.
Coding change: c.-32-721G>C on transcript NM_000152.5 (MANE Select); 721 bases into the intron before 32 bases upstream of the start codon, G replaced by C.
Molecular consequence: intron variant.
Genome position (GRCh38, 1-based): chr17:80,103,834, G>C. VCF-style: chr17-80103834-G-C. GRCh37 (hg19) VCF-style: chr17-78077633-G-C.
Other names: c.-32-721G>C (NM_001406741.1, NM_001406742.1, NM_001079803.3 and 1 more transcripts).
Identifiers: ClinVar variation 4876410 (VCV004876410.1).
Genomic context (GRCh38, chr17:80,103,834, plus strand): 5'-AGTCCTTTCTCTCTTGTGGCTTTGCCACCCCTGGAGTGTCACCCTCAGCTGCGGTGCCCA[G>C]GATTCCCCACTGTGGTATGTCCGTGCACCAGTCAATAGGAAAGGGAGCAAGGAAAGGTAC-3'

ClinVar aggregate classification (germline): Benign (1 of 4 stars; one submission).

Conditions:
Glycogen storage disease, type II (IOPD). Also called: Pompe Disease; CARDIOMEGALIA GLYCOGENICA DIFFUSA; GLYCOGENOSIS, GENERALIZED, CARDIAC FORM; GSD II; POMPE DISEASE, INFANTILE-ONSET; GLYCOGEN STORAGE DISEASE II, INFANTILE-ONSET. Identifiers: Orphanet 365, MedGen C0017921, MONDO:0009290, OMIM 232300.

Submission:

Genomenon, Inc
Classification: Benign for Glycogen storage disease, type II. Last evaluated: 2026-07-01. Review status: criteria provided, single submitter. Criteria: Genomenon Sequence Variant Interpretation Standards - Updated. Collection method: curation. Allele origin: germline. Affected: no.
Comment: GAA c.-32-721G>C is an intronic variant located in the 5′ untranslated region (5′ UTR). This variant is present at high allele frequency in population databases. We classify GAA c.-32-721G>C as a benign variant.